The following is an entry in ClinVar:

ClinVar aggregate classification (germline): Uncertain significance (1 of 4 stars; one submission).

gnomAD v4.1: 3 of 1,613,332 alleles (0.00019%); highest among the groups gnomAD compares: Non-Finnish European, 0.00025%; no homozygotes.

Submission:

Labcorp Genetics (formerly Invitae), Labcorp
Classification: Uncertain significance. Last evaluated: 2025-12-19. Review status: criteria provided, single submitter. Criteria: Invitae Variant Classification Sherloc (09022015). Collection method: clinical testing. Allele origin: germline.
Comment: This sequence change falls in intron 3 of the CNOT1 gene. It does not directly change the encoded amino acid sequence of the CNOT1 protein. It affects a nucleotide within the consensus splice site. This variant is not present in population databases (gnomAD no frequency). This variant has not been reported in the literature in individuals affected with CNOT1-related conditions. Variants that disrupt the consensus splice site are a relatively common cause of aberrant splicing (PMID: 17576681, 9536098). Algorithms developed to predict the effect of sequence changes on RNA splicing suggest that this variant is not likely to affect RNA splicing. In summary, the available evidence is currently insufficient to determine the role of this variant in disease. Therefore, it has been classified as a Variant of Uncertain Significance.

Literature cited by the submitters: PubMed 17576681; PubMed 9536098.

NM_016284.5(CNOT1):c.210+4T>C

Gene: CNOT1 (CCR4-NOT transcription complex subunit 1; minus strand). Cytogenetic location: 16q21.
Variant type: single nucleotide variant.
Coding change: c.210+4T>C on transcript NM_016284.5 (MANE Select); 4 bases into the intron after coding-DNA position 210, T replaced by C.
Molecular consequence: intron variant.
Genome position (GRCh38, 1-based): chr16:58,588,795, A>G on the plus strand (T>C on the coding strand, the complement: CNOT1 is on the minus strand). VCF-style: chr16-58588795-A-G. GRCh37 (hg19) VCF-style: chr16-58622699-A-G.
Other names: c.210+4T>C (NM_001265612.2, NM_206999.3).
Identifiers: ClinVar variation 4773928 (VCV004773928.1).